The following is an entry in ClinVar:

NM_015978.3(TNNI3K):c.2217_2222del (p.Leu740_Ser741del)

Genes: FPGT-TNNI3K (FPGT-TNNI3K readthrough; plus strand), LRRC53 (leucine rich repeat containing 53; minus strand), TNNI3K (TNNI3 interacting kinase; plus strand). Cytogenetic location: 1p31.1.
Variant type: Microsatellite.
Coding change: c.2217_2222del on transcript NM_015978.3 (MANE Select); coding-DNA positions 2217 to 2222, 6 bases deleted (TCTCTC; older notation c.2217_2222delTCTCTC).
Protein change: p.Leu740_Ser741del.
Molecular consequence: inframe deletion. On other transcripts: intron variant (2).
Genome position (GRCh38, 1-based): chr1:74,492,132-74,492,137, TCTCTC deleted; deleting any 6 consecutive bases within chr1:74,492,130-74,492,137 gives the same sequence; the c. name uses the placement nearest the transcript's 3' end. VCF-style (leftmost placement, unchanged base first): chr1-74492129-GTCTCTC-G. GRCh37 (hg19) VCF-style: chr1-74957813-GTCTCTC-G.
Other names: c.2520_2525del, p.Leu841_Ser842del (NM_001112808.3); c.-8-11167_-8-11162del (NM_001364666.2); c.-26-8760_-26-8755del (NM_001382280.1).
Identifiers: ClinVar variation 4730770 (VCV004730770.1).

ClinVar aggregate classification (germline): Uncertain significance (1 of 4 stars; one submission).

Submission:

Labcorp Genetics (formerly Invitae), Labcorp
Classification: Uncertain significance. Last evaluated: 2025-11-09. Review status: criteria provided, single submitter. Criteria: Invitae Variant Classification Sherloc (09022015). Collection method: clinical testing. Allele origin: germline.
Comment: This variant, c.2217_2222del, results in the deletion of 2 amino acid(s) of the TNNI3K protein (p.Leu740_Ser741del), but otherwise preserves the integrity of the reading frame. This variant is not present in population databases (gnomAD no frequency). This variant has not been reported in the literature in individuals affected with TNNI3K-related conditions. Experimental studies and prediction algorithms are not available or were not evaluated, and the functional significance of this variant is currently unknown. In summary, the available evidence is currently insufficient to determine the role of this variant in disease. Therefore, it has been classified as a Variant of Uncertain Significance.